The following is an entry in ClinVar:

ClinVar aggregate classification (germline): Uncertain significance (1 of 4 stars; one submission).

Conditions:
Cardiovascular phenotype. Identifiers: MedGen CN230736.

Submission:

Ambry Genetics
Classification: Uncertain significance for Cardiovascular phenotype. Last evaluated: 2026-07-24. Review status: criteria provided, single submitter. Criteria: Ambry Variant Classification Scheme 2023. Collection method: clinical testing. Allele origin: germline.
Comment: The p.R566P variant (also known as c.1697G>C), located in coding exon 6 of the KCND3 gene, results from a G to C substitution at nucleotide position 1697. The arginine at codon 566 is replaced by proline, an amino acid with dissimilar properties. This amino acid position is conserved. In addition, the in silico prediction for this alteration is inconclusive. Based on the available evidence, the clinical significance of this variant remains unclear.

NM_001378969.1(KCND3):c.1697G>C (p.Arg566Pro)

Gene: KCND3 (potassium voltage-gated channel subfamily D member 3; minus strand). Cytogenetic location: 1p13.2.
Variant type: single nucleotide variant.
Coding change: c.1697G>C on transcript NM_001378969.1 (MANE Select); coding-DNA position 1697, G replaced by C.
Protein change: p.Arg566Pro; replaces arginine 566 with proline.
Molecular consequence: missense variant.
Genome position (GRCh38, 1-based): chr1:111,777,095, C>G on the plus strand (G>C on the coding strand, the complement: KCND3 is on the minus strand). VCF-style: chr1-111777095-C-G. GRCh37 (hg19) VCF-style: chr1-112319717-C-G.
Other names: c.1640G>C, p.Arg547Pro (NM_001378970.1, NM_172198.3); c.1697G>C, p.Arg566Pro (NM_004980.5); short protein forms R547P, R566P.
Identifiers: ClinVar variation 5022952 (VCV005022952.1).